The following is an entry in ClinVar:

NM_138961.3(ESAM):c.821G>A (p.Arg274Gln)

Gene: ESAM (endothelial cell adhesion molecule; minus strand). Cytogenetic location: 11q24.2.
Variant type: single nucleotide variant.
Coding change: c.821G>A on transcript NM_138961.3 (MANE Select); coding-DNA position 821, G replaced by A.
Protein change: p.Arg274Gln; replaces arginine 274 with glutamine.
Molecular consequence: missense variant.
Genome position (GRCh38, 1-based): chr11:124,754,250, C>T on the plus strand (G>A on the coding strand, the complement: ESAM is on the minus strand). VCF-style: chr11-124754250-C-T. GRCh37 (hg19) VCF-style: chr11-124624146-C-T.
Other names: short protein forms R274Q.
Identifiers: ClinVar variation 2409338 (VCV002409338.3), dbSNP rs745435981, ClinGen allele CA6342494.

ClinVar aggregate classification (germline): Uncertain significance. Review status: criteria provided, multiple submitters, no conflicts (2 of 4 stars). 2 submissions from 2 submitters: Uncertain significance (2). Last evaluated 2026-05-24.

Conditions:
ESAM-related condition.

gnomAD v4.1: 54 of 1,613,882 alleles (0.0033%); highest among the groups gnomAD compares: Admixed American, 0.045%; 1 homozygote.

Submissions (2):

PreventionGenetics, part of Exact Sciences
Classification: Uncertain significance for ESAM-related condition. Last evaluated: 2026-05-24. Review status: criteria provided, single submitter. Criteria: ACMG Guidelines, 2015. Collection method: clinical testing. Allele origin: germline.
Comment: The ESAM c.821G>A variant is predicted to result in the amino acid substitution p.Arg274Gln. To our knowledge, this variant has not been reported in the literature. This variant is reported in 0.012% of alleles in individuals of African descent in gnomAD. At this time, the clinical significance of this variant is uncertain due to the absence of conclusive functional and genetic evidence.

Ambry Genetics
Classification: Uncertain significance. Last evaluated: 2021-09-16. Review status: criteria provided, single submitter. Criteria: Ambry Variant Classification Scheme 2023. Collection method: clinical testing. Allele origin: germline.